The following is an entry in ClinVar:

ClinVar aggregate classification (germline): Uncertain significance. Review status: criteria provided, multiple submitters, no conflicts (2 of 4 stars). 2 submissions from 2 submitters: Uncertain significance (2). Last evaluated 2024-02-06.

Allele frequency attached by ClinVar (database versions not stated): ExAC 0.00001; TOPMed 0.00001; ESP Exome Variant Server 0.00008.
gnomAD v4.1: 21 of 1,614,016 alleles (0.0013%); highest among the groups gnomAD compares: Admixed American, 0.0067%; no homozygotes.

Submissions (2):

Labcorp Genetics (formerly Invitae), Labcorp
Classification: Uncertain significance. Last evaluated: 2024-02-06. Review status: criteria provided, single submitter. Criteria: Invitae Variant Classification Sherloc (09022015). Collection method: clinical testing. Allele origin: germline.
Comment: This sequence change replaces arginine, which is basic and polar, with histidine, which is basic and polar, at codon 433 of the A2ML1 protein (p.Arg433His). This variant is present in population databases (rs376035211, gnomAD 0.006%). This variant has not been reported in the literature in individuals affected with A2ML1-related conditions. ClinVar contains an entry for this variant (Variation ID: 928550). Algorithms developed to predict the effect of missense changes on protein structure and function output the following: SIFT: "Not Available"; PolyPhen-2: "Benign"; Align-GVGD: "Not Available". The histidine amino acid residue is found in multiple mammalian species, which suggests that this missense change does not adversely affect protein function. In summary, the available evidence is currently insufficient to determine the role of this variant in disease. Therefore, it has been classified as a Variant of Uncertain Significance.

Women's Health and Genetics/Laboratory Corporation of America, LabCorp
Classification: Uncertain significance. Last evaluated: 2019-12-24. Review status: criteria provided, single submitter. Criteria: LabCorp Variant Classification Summary - May 2015. Collection method: clinical testing. Allele origin: germline.
Comment: Variant summary: A2ML1 c.1298G>A (p.Arg433His) results in a non-conservative amino acid change located in the Macroglobulin domain MG4 (IPR040839) of the encoded protein sequence. Four of five in-silico tools predict a benign effect of the variant on protein function. The variant allele was found at a frequency of 2e-05 in 249564 control chromosomes. The available data on variant occurrences in the general population are insufficient to allow any conclusion about variant significance. To our knowledge, no occurrence of c.1298G>A in individuals affected with Noonan Syndrome and no experimental evidence demonstrating its impact on protein function have been reported. No clinical diagnostic laboratories have submitted clinical-significance assessments for this variant to ClinVar after 2014. Based on the evidence outlined above, the variant was classified as uncertain significance.

NM_144670.6(A2ML1):c.1298G>A (p.Arg433His)

Gene: A2ML1 (alpha-2-macroglobulin like 1; plus strand). Cytogenetic location: 12p13.31.
Variant type: single nucleotide variant.
Coding change: c.1298G>A on transcript NM_144670.6 (MANE Select); coding-DNA position 1298, G replaced by A.
Protein change: p.Arg433His; replaces arginine 433 with histidine.
Molecular consequence: missense variant.
Genome position (GRCh38, 1-based): chr12:8,843,183, G>A. VCF-style: chr12-8843183-G-A. GRCh37 (hg19) VCF-style: chr12-8995779-G-A.
Other names: short protein forms R433H.
Identifiers: ClinVar variation 928550 (VCV000928550.5), dbSNP rs376035211, ClinGen allele CA6435616.